The following is an entry in ClinVar:

NM_000059.4(BRCA2):c.4927_4928del (p.Val1643fs)

Gene: BRCA2 (BRCA2 DNA repair associated; plus strand). Cytogenetic location: 13q13.1.
Variant type: Deletion.
Coding change: c.4927_4928del on transcript NM_000059.4 (MANE Select); coding-DNA positions 4927 to 4928, 2 bases deleted (GT; older notation c.4927_4928delGT).
Protein change: p.Val1643fs; shifts the reading frame from valine 1643.
Molecular consequence: frameshift variant.
Genome position (GRCh38, 1-based): chr13:32,339,282-32,339,283, GT deleted; deleting any 2 consecutive bases within chr13:32,339,281-32,339,283 gives the same sequence; the c. name uses the placement nearest the transcript's 3' end. VCF-style (leftmost placement, unchanged base first): chr13-32339280-ATG-A. GRCh37 (hg19) VCF-style: chr13-32913417-ATG-A.
Other names: short protein forms V1643fs.
Identifiers: ClinVar variation 846186 (VCV000846186.8), dbSNP rs2072516053, ClinGen allele CA916080552.

ClinVar aggregate classification (germline): Pathogenic (1 of 4 stars; one submission).

Conditions:
Hereditary breast ovarian cancer syndrome. Also called: Breast and ovarian cancer; Hereditary breast and ovarian cancer; Hereditary breast and/or ovarian cancer syndrome; BRCA1- and BRCA2-Associated Hereditary Breast and Ovarian Cancer; Hereditary breast and ovarian cancer syndrome; Hereditary breast and ovarian cancer syndrome (HBOC). Identifiers: Orphanet 145, MedGen C0677776, MeSH D061325, MONDO:0003582. Disease mechanism: loss of function.

Submission:

Labcorp Genetics (formerly Invitae), Labcorp
Classification: Pathogenic for Hereditary breast ovarian cancer syndrome. Last evaluated: 2019-02-04. Review status: criteria provided, single submitter. Criteria: Invitae Variant Classification Sherloc (09022015). Collection method: clinical testing. Allele origin: germline.
Comment: For these reasons, this variant has been classified as Pathogenic. This sequence change creates a premature translational stop signal (p.Val1643Argfs*22) in the BRCA2 gene. It is expected to result in an absent or disrupted protein product. This variant is not present in population databases (ExAC no frequency). This variant has not been reported in the literature in individuals with BRCA2-related conditions. Loss-of-function variants in BRCA2 are known to be pathogenic (PMID: 20104584).

Literature cited by the submitters: PubMed 20104584.